The following is an entry in ClinVar:

NM_000053.4(ATP7B):c.609C>G (p.Asp203Glu)

Gene: ATP7B (ATPase copper transporting beta; minus strand). Cytogenetic location: 13q14.3.
Variant type: single nucleotide variant.
Coding change: c.609C>G on transcript NM_000053.4 (MANE Select); coding-DNA position 609, C replaced by G.
Protein change: p.Asp203Glu; replaces aspartic acid 203 with glutamic acid.
Molecular consequence: missense variant.
Genome position (GRCh38, 1-based): chr13:51,974,611, G>C on the plus strand (C>G on the coding strand, the complement: ATP7B is on the minus strand). VCF-style: chr13-51974611-G-C. GRCh37 (hg19) VCF-style: chr13-52548747-G-C.
Other names: c.609C>G, p.Asp203Glu (NM_001005918.3, NM_001406519.1, NM_001406520.1 and 30 more transcripts); c.513C>G, p.Asp171Glu (NM_001406518.1, NM_001406539.1, NM_001406543.1 and 4 more transcripts); short protein forms D171E, D203E.
Identifiers: ClinVar variation 4758530 (VCV004758530.1).

ClinVar aggregate classification (germline): Uncertain significance (1 of 4 stars; one submission).

Conditions:
Wilson disease (WND). Also called: Wilson's disease. Identifiers: Orphanet 905, MedGen C0019202, MONDO:0010200, OMIM 277900. Disease mechanism: loss of function.

gnomAD v4.1: 4 of 1,613,704 alleles (0.00025%); highest among the groups gnomAD compares: Non-Finnish European, 0.00034%; no homozygotes.

Submission:

Color Diagnostics, LLC DBA Color Health
Classification: Uncertain significance for Wilson disease. Last evaluated: 2025-06-09. Review status: criteria provided, single submitter. Criteria: ACMG Guidelines, 2015. Collection method: clinical testing. Allele origin: germline.
Comment: This missense variant replaces aspartic acid with glutamic acid at codon 203 of the ATP7B protein. Computational prediction suggests that this variant may not impact protein structure and function. To our knowledge, functional studies have not been reported for this variant. This variant has not been reported in individuals affected with ATP7B-related disorders in the literature. This variant has not been identified in the general population by the Genome Aggregation Database (gnomAD). The available evidence is insufficient to determine the role of this variant in disease conclusively. Therefore, this variant is classified as a Variant of Uncertain Significance.